The following is an entry in ClinVar:

NM_000182.5(HADHA):c.1885G>A (p.Gly629Ser)

Genes: GAREM2 (GRB2 associated regulator of MAPK1 subtype 2; plus strand), HADHA (hydroxyacyl-CoA dehydrogenase trifunctional multienzyme complex subunit alpha; minus strand). Cytogenetic location: 2p23.3.
Variant type: single nucleotide variant.
Coding change: c.1885G>A on transcript NM_000182.5 (MANE Select); coding-DNA position 1885, G replaced by A.
Protein change: p.Gly629Ser; replaces glycine 629 with serine.
Molecular consequence: missense variant.
Genome position (GRCh38, 1-based): chr2:26,193,577, C>T on the plus strand (G>A on the coding strand, the complement: HADHA is on the minus strand). VCF-style: chr2-26193577-C-T. GRCh37 (hg19) VCF-style: chr2-26416446-C-T.
Other names: short protein forms G629S.
Identifiers: ClinVar variation 429373 (VCV000429373.2), dbSNP rs1131691348, ClinGen allele CA346117050.
Genomic context (GRCh38, chr2:26,193,577, plus strand): 5'-AGGAACTGCTTAGAACTTTGTAACTAATGGTGCTAGTTATGTTTCCTTGAGGCTACTCAC[C>T]TAGGAAGCCCTTGGACACCATCTGTGTCAGCAGTTCTGGGTTTCCACCTCCAAACCGCTC-3'
Protein context (NP_000173.2, residues 619-639): LTQMVSKGFL[Gly629Ser]RKSGKGFYIY

ClinVar aggregate classification (germline): Likely pathogenic (1 of 4 stars; one submission).

Submission:

GeneDx
Classification: Likely pathogenic. Last evaluated: 2015-07-27. Review status: criteria provided, single submitter. Criteria: GeneDx Variant Classification (06012015). Collection method: clinical testing. Allele origin: germline. Affected: yes.
Comment: The G629S variant in the HADHA gene has not been published as a pathogenic variant, nor has it been reported as a benign polymorphism to our knowledge. The G629S variant was not observed in approximately 6,500 individuals of European and African American ancestry in the NHLBI Exome Sequencing Project, indicating it is not a common benign variant in these populations. The G629S variant is a non-conservative amino acid substitution, which is likely to impact secondary protein structure as these residues differ in polarity, charge, size and/or other properties. This substitution occurs at a position that is conserved across species. In silico analysis predicts this variant is probably damaging to the protein structure/function. The G629S variant is a strong candidate for a disease-causing variant however, the possibility it may be a rare benign variant cannot be excluded